The following is an entry in ClinVar:

ClinVar aggregate classification (germline): Benign. Review status: criteria provided, single submitter (1 of 4 stars). 2 submissions from 2 submitters: Benign (1). 1 of the submissions does not count toward it. Last evaluated 2018-04-24.

Conditions:
SEMA4D-related disorder. Also called: SEMA4D-related condition.

Allele frequency attached by ClinVar (database versions not stated): ESP Exome Variant Server 0.00023; gnomAD 0.00048 and 0.00072; gnomAD exomes 0.00084 and 0.00168; TOPMed 0.00092; ExAC 0.00186; 1000 Genomes Project 0.00300; 1000 Genomes Project 30x 0.00312.
gnomAD v4.1: 1,329 of 1,606,888 alleles (0.083%); highest among the groups gnomAD compares: East Asian, 2.3%; 17 homozygotes.

Submissions (2):

Labcorp Genetics (formerly Invitae), Labcorp
Classification: Benign. Last evaluated: 2018-04-24. Review status: criteria provided, single submitter. Criteria: Invitae Variant Classification Sherloc (09022015). Collection method: clinical testing. Allele origin: germline.

PreventionGenetics, part of Exact Sciences
Classification: Benign for SEMA4D-related condition. Last evaluated: 2019-07-15. Review status: no assertion criteria provided. Collection method: clinical testing. Allele origin: germline. Not counted in ClinVar's aggregate classification.
Comment: This variant is classified as benign based on ACMG/AMP sequence variant interpretation guidelines (Richards et al. 2015 PMID: 25741868, with internal and published modifications).

NM_001371194.2(SEMA4D):c.969G>A (p.Ser323=)

Gene: SEMA4D (semaphorin 4D; minus strand). Cytogenetic location: 9q22.2.
Variant type: single nucleotide variant.
Coding change: c.969G>A on transcript NM_001371194.2 (MANE Select); coding-DNA position 969, G replaced by A.
Protein change: p.Ser323=; no amino-acid change (serine 323 retained).
Molecular consequence: synonymous variant. On other transcripts: non-coding transcript variant (6).
Genome position (GRCh38, 1-based): chr9:89,388,774, C>T on the plus strand (G>A on the coding strand, the complement: SEMA4D is on the minus strand). VCF-style: chr9-89388774-C-T. GRCh37 (hg19) VCF-style: chr9-92003689-C-T.
Other names: c.969G>A, p.Ser323= (NM_001142287.2, NM_001371195.1, NM_001371196.1 and 7 more transcripts).
Identifiers: ClinVar variation 741057 (VCV000741057.5), dbSNP rs117909186, ClinGen allele CA5118511.